The following is an entry in ClinVar:

NM_001244008.2(KIF1A):c.169T>C (p.Trp57Arg)

Gene: KIF1A (kinesin family member 1A; minus strand). Cytogenetic location: 2q37.3.
Variant type: single nucleotide variant.
Coding change: c.169T>C on transcript NM_001244008.2 (MANE Select); coding-DNA position 169, T replaced by C.
Protein change: p.Trp57Arg; replaces tryptophan 57 with arginine.
Molecular consequence: missense variant.
Genome position (GRCh38, 1-based): chr2:240,789,250, A>G on the plus strand (T>C on the coding strand, the complement: KIF1A is on the minus strand). VCF-style: chr2-240789250-A-G. GRCh37 (hg19) VCF-style: chr2-241728667-A-G.
Other names: c.169T>C, p.Trp57Arg (NM_001320705.2, NM_001330289.2, NM_001330290.2 and 20 more transcripts); short protein forms W57R.
Identifiers: ClinVar variation 1021588 (VCV001021588.9), dbSNP rs2055347286, ClinGen allele CA351311698.

ClinVar aggregate classification (germline): Uncertain significance (1 of 4 stars; one submission).

Conditions:
Neuropathy, hereditary sensory, type 2C. Also called: Hereditary sensory and autonomic neuropathy type IIC; KIF1A-Related HSAN2 (HSAN2C). Identifiers: Orphanet 970, MedGen C3280168, MONDO:0013634, OMIM 614213.
Intellectual disability, autosomal dominant 9 (NESCAVS). Also called: KIF1A-Related Neurodevelopmental Disorder; NESCAV SYNDROME. Identifiers: Orphanet 662367, MedGen C5393830, MONDO:0013656, OMIM 614255.
Hereditary spastic paraplegia 30. Identifiers: Orphanet 101010, MedGen C5235139, MONDO:0012476.

Submission:

Labcorp Genetics (formerly Invitae), Labcorp
Classification: Uncertain significance for Hereditary spastic paraplegia 30; Neuropathy, hereditary sensory, type 2C; Intellectual disability, autosomal dominant 9. Last evaluated: 2022-09-27. Review status: criteria provided, single submitter. Criteria: Invitae Variant Classification Sherloc (09022015). Collection method: clinical testing. Allele origin: germline.
Comment: Advanced modeling of protein sequence and biophysical properties (such as structural, functional, and spatial information, amino acid conservation, physicochemical variation, residue mobility, and thermodynamic stability) performed at Invitae indicates that this missense variant is expected to disrupt KIF1A protein function. In summary, the available evidence is currently insufficient to determine the role of this variant in disease. Therefore, it has been classified as a Variant of Uncertain Significance. ClinVar contains an entry for this variant (Variation ID: 1021588). This sequence change replaces tryptophan, which is neutral and slightly polar, with arginine, which is basic and polar, at codon 57 of the KIF1A protein (p.Trp57Arg). This variant is not present in population databases (gnomAD no frequency). This variant has not been reported in the literature in individuals affected with KIF1A-related conditions.